The following is an entry in ClinVar:

NM_057175.5(NAA15):c.1255A>G (p.Lys419Glu)

Gene: NAA15 (N-alpha-acetyltransferase 15, NatA auxiliary subunit; plus strand). Cytogenetic location: 4q31.1.
Variant type: single nucleotide variant.
Coding change: c.1255A>G on transcript NM_057175.5 (MANE Select); coding-DNA position 1255, A replaced by G.
Protein change: p.Lys419Glu; replaces lysine 419 with glutamic acid.
Molecular consequence: missense variant.
Genome position (GRCh38, 1-based): chr4:139,357,553, A>G. VCF-style: chr4-139357553-A-G. GRCh37 (hg19) VCF-style: chr4-140278707-A-G.
Other names: c.1255A>G, p.Lys419Glu (NM_001410842.1); short protein forms K419E.
Identifiers: ClinVar variation 4538878 (VCV004538878.1).
Genomic context (GRCh38, chr4:139,357,553, plus strand): 5'-ACTGCTATTGAAAGTACACCTACATTAATAGAACTCTTTCTCGTGAAAGCTAAAATCTAT[A>G]AGGTAAAAATCTTTTTTTCTATTTTCTTATAAGGTAATGAGACTTGTCATGAACTTTTTC-3'
Protein context (NP_476516.1, residues 409-429): ELFLVKAKIY[Lys419Glu]HAGNIKEAAR

ClinVar aggregate classification (germline): Uncertain significance (1 of 4 stars; one submission).

Submission:

GeneDx
Classification: Uncertain significance. Last evaluated: 2025-06-21. Review status: criteria provided, single submitter. Criteria: GeneDx Variant Classification Process June 2021. Collection method: clinical testing. Allele origin: germline. Affected: yes.
Comment: Not observed at significant frequency in large population cohorts (gnomAD); In silico analysis supports that this missense variant has a deleterious effect on protein structure/function; Has not been previously published as pathogenic or benign to our knowledge